The following is an entry in ClinVar:

ClinVar aggregate classification (germline): Uncertain significance. Review status: criteria provided, multiple submitters, no conflicts (2 of 4 stars). 2 submissions from 2 submitters: Uncertain significance (2). Last evaluated 2021-06-11.

Conditions:
Intellectual developmental disorder, autosomal recessive 61. Also called: ALWADEI SYNDROME; Intellectual disability, autosomal recessive 61; MENTAL RETARDATION, AUTOSOMAL RECESSIVE 61. Identifiers: MedGen C4540424, MONDO:0030915, OMIM 617773.

Allele frequency attached by ClinVar (database versions not stated): gnomAD 0.00001; TOPMed 0.00001; gnomAD exomes 0.00001; ESP Exome Variant Server 0.00015; ExAC 0.00001.
gnomAD v4.1: 5 of 1,613,944 alleles (0.00031%); highest among the groups gnomAD compares: Non-Finnish European, 0.00042%; no homozygotes.

Submissions (2):

Ambry Genetics
Classification: Uncertain significance. Last evaluated: 2021-06-11. Review status: criteria provided, single submitter. Criteria: Ambry Variant Classification Scheme 2023. Collection method: clinical testing. Allele origin: germline.

Baylor Genetics
Classification: Uncertain significance for Intellectual developmental disorder, autosomal recessive 61. Last evaluated: 2019-04-23. Review status: criteria provided, single submitter. Criteria: ACMG Guidelines, 2015. Collection method: clinical testing. Allele origin: maternal. Affected: yes.
Comment: This variant was determined to be of uncertain significance according to ACMG Guidelines, 2015 [PMID:25741868].

NM_014806.5(RUSC2):c.2959T>G (p.Ser987Ala)

Gene: RUSC2 (RUN and SH3 domain containing 2; plus strand). Cytogenetic location: 9p13.3.
Variant type: single nucleotide variant.
Coding change: c.2959T>G on transcript NM_014806.5 (MANE Select); coding-DNA position 2959, T replaced by G.
Protein change: p.Ser987Ala; replaces serine 987 with alanine.
Molecular consequence: missense variant. On other transcripts: non-coding transcript variant (1).
Genome position (GRCh38, 1-based): chr9:35,556,424, T>G. VCF-style: chr9-35556424-T-G. GRCh37 (hg19) VCF-style: chr9-35556421-T-G.
Other names: c.2959T>G, p.Ser987Ala (NM_001135999.2); c.325T>G, p.Ser109Ala (NM_001330740.2); short protein forms S109A, S987A.
Identifiers: ClinVar variation 1027720 (VCV001027720.4), dbSNP rs145303576, ClinGen allele CA5044002.